The following is an entry in ClinVar:

ClinVar aggregate classification (germline): Conflicting classifications of pathogenicity. Review status: criteria provided, conflicting classifications (1 of 4 stars). 3 submissions from 3 submitters: Pathogenic (1); Uncertain significance (1). 1 of the submissions does not count toward it. Last evaluated 2026-04-01.

Conditions:
Primary hyperoxaluria. Identifiers: Orphanet 416, MedGen C0020501, MONDO:0002474.
Primary hyperoxaluria, type I (HP1). Also called: GLYCOLIC ACIDURIA; HEPATIC AGT DEFICIENCY; OXALOSIS I; Primary hyperoxaluria type 1. Identifiers: Orphanet 416, Orphanet 93598, MedGen C0268164, MONDO:0009823, OMIM 259900. Disease mechanism: loss of function.

Allele frequency attached by ClinVar (database versions not stated): gnomAD exomes below 0.00001.
gnomAD v4.1: 3 of 1,612,874 alleles (0.00019%); highest among the groups gnomAD compares: Admixed American, 0.0033%; no homozygotes.

Submissions (3):

Women's Health and Genetics/Laboratory Corporation of America, LabCorp
Classification: Pathogenic for Primary hyperoxaluria. Last evaluated: 2026-04-01. Review status: criteria provided, single submitter. Criteria: LabCorp Variant Classification Summary - May 2015. Collection method: clinical testing. Allele origin: germline.
Comment: Variant summary: AGXT c.122G>A (p.Gly41Glu) results in a non-conservative amino acid change in the encoded protein sequence. Algorithms developed to predict the effect of missense changes on protein structure and function all suggest that this variant is likely to be disruptive. The variant allele was found at a frequency of 4e-06 in 247546 control chromosomes (gnomAD). c.122G>A has been observed in individuals affected with Primary Hyperoxaluria Type 1 (e.g. WIlliams_2007, Birtel_2019). A different variant affecting the same codon has been classified as pathogenic by our lab (c.121G>A, p.Gly41Arg), supporting the critical relevance of codon 41 to AGXT protein function. At least two publications report experimental evidence evaluating an impact on protein function. The most pronounced variant effect results in <10% of normal activity (Williams_2007, Pittman_2012). The following publications have been ascertained in the context of this evaluation (PMID: 17495019, 22923379, 31078535). ClinVar contains an entry for this variant (Variation ID: 204073). Based on the evidence outlined above, the variant was classified as pathogenic.

Labcorp Genetics (formerly Invitae), Labcorp
Classification: Uncertain significance. Last evaluated: 2024-07-09. Review status: criteria provided, single submitter. Criteria: Invitae Variant Classification Sherloc (09022015). Collection method: clinical testing. Allele origin: germline.
Comment: This sequence change replaces glycine, which is neutral and non-polar, with glutamic acid, which is acidic and polar, at codon 41 of the AGXT protein (p.Gly41Glu). This variant is present in population databases (rs180177168, gnomAD 0.003%). This missense change has been observed in individual(s) with primary hyperoxaluria (PMID: 17495019). ClinVar contains an entry for this variant (Variation ID: 204073). Advanced modeling of protein sequence and biophysical properties (such as structural, functional, and spatial information, amino acid conservation, physicochemical variation, residue mobility, and thermodynamic stability) performed at Invitae indicates that this missense variant is expected to disrupt AGXT protein function with a positive predictive value of 80%. Experimental studies have shown that this missense change affects AGXT function (PMID: 17495019, 22923379). This variant disrupts the p.Gly41 amino acid residue in AGXT. Other variant(s) that disrupt this residue have been determined to be pathogenic (PMID: 8101040, 10541294, 15802217, 16971151, 18448374, 20133649, 21176891). This suggests that this residue is clinically significant, and that variants that disrupt this residue are likely to be disease-causing. In summary, the available evidence is currently insufficient to determine the role of this variant in disease. Therefore, it has been classified as a Variant of Uncertain Significance.

Clinical Biochemistry Laboratory, Health Services Laboratory
Classification: Pathogenic for Primary hyperoxaluria, type I. Last evaluated: 2014-11-27. Review status: no assertion criteria provided. Collection method: in vitro. Allele origin: germline. Affected: yes. Not counted in ClinVar's aggregate classification.

Literature cited by the submitters: PubMed 22923379 (cited by Women's Health and Genetics/Laboratory Corporation of America, LabCorp and Labcorp Genetics (formerly Invitae), Labcorp); PubMed 17495019 (cited by 3 submitters); PubMed 31078535 (cited by Women's Health and Genetics/Laboratory Corporation of America, LabCorp); PubMed 8101040 (cited by Labcorp Genetics (formerly Invitae), Labcorp); PubMed 10541294 (cited by Labcorp Genetics (formerly Invitae), Labcorp); PubMed 15802217 (cited by Labcorp Genetics (formerly Invitae), Labcorp); PubMed 16971151 (cited by Labcorp Genetics (formerly Invitae), Labcorp); PubMed 18448374 (cited by Labcorp Genetics (formerly Invitae), Labcorp); PubMed 20133649 (cited by Labcorp Genetics (formerly Invitae), Labcorp); PubMed 21176891 (cited by Labcorp Genetics (formerly Invitae), Labcorp).

NM_000030.3(AGXT):c.122G>A (p.Gly41Glu)

Gene: AGXT (alanine--glyoxylate aminotransferase; plus strand). Cytogenetic location: 2q37.3.
Variant type: single nucleotide variant.
Coding change: c.122G>A on transcript NM_000030.3 (MANE Select); coding-DNA position 122, G replaced by A.
Protein change: p.Gly41Glu; replaces glycine 41 with glutamic acid.
Molecular consequence: missense variant.
Genome position (GRCh38, 1-based): chr2:240,868,987, G>A. VCF-style: chr2-240868987-G-A. GRCh37 (hg19) VCF-style: chr2-241808404-G-A.
Other names: short protein forms G41E.
Identifiers: ClinVar variation 204073 (VCV000204073.5), dbSNP rs180177168, ClinGen allele CA275629.